The following is an entry in ClinVar:

NM_013382.7(POMT2):c.1467A>T (p.Gly489=)

Gene: POMT2 (protein O-mannosyltransferase 2; minus strand). Cytogenetic location: 14q24.3.
Variant type: single nucleotide variant.
Coding change: c.1467A>T on transcript NM_013382.7 (MANE Select); coding-DNA position 1467, A replaced by T.
Protein change: p.Gly489=; no amino-acid change (glycine 489 retained).
Molecular consequence: synonymous variant.
Genome position (GRCh38, 1-based): chr14:77,285,498, T>A on the plus strand (A>T on the coding strand, the complement: POMT2 is on the minus strand). VCF-style: chr14-77285498-T-A. GRCh37 (hg19) VCF-style: chr14-77751841-T-A.
Identifiers: ClinVar variation 471388 (VCV000471388.8), dbSNP rs1555352583, ClinGen allele CA487324332.

ClinVar aggregate classification (germline): Uncertain significance (1 of 4 stars; one submission).

Conditions:
Muscular dystrophy-dystroglycanopathy (congenital with brain and eye anomalies), type A2. Also called: MUSCULAR DYSTROPHY-DYSTROGLYCANOPATHY (CONGENITAL WITH BRAIN AND EYE ANOMALIES), TYPE A, 2; WALKER-WARBURG SYNDROME OR MUSCLE-EYE-BRAIN DISEASE, POMT2-RELATED. Identifiers: Orphanet 588, Orphanet 899, MedGen C3150411, MONDO:0013154, OMIM 613150.
Muscular dystrophy-dystroglycanopathy (congenital with impaired intellectual development), type B, 2. Also called: Muscular dystrophy-dystroglycanopathy (congenital with intellectual disability), type B2; MUSCULAR DYSTROPHY, CONGENITAL, POMT2-RELATED. Identifiers: MedGen C3150416, MONDO:0013160, OMIM 613156.
Autosomal recessive limb-girdle muscular dystrophy type 2N. Also called: Muscular dystrophy-dystroglycanopathy (limb-girdle), type C, 2; MUSCULAR DYSTROPHY-DYSTROGLYCANOPATHY, LIMB-GIRDLE, POMT2-RELATED. Identifiers: Orphanet 206559, MedGen C3150418, MONDO:0013162, OMIM 613158.

Allele frequency attached by ClinVar (database versions not stated): gnomAD exomes below 0.00001.
gnomAD v4.1: 2 of 1,614,068 alleles (0.00012%); highest among the groups gnomAD compares: South Asian, 0.0011%; no homozygotes.

Submission:

Labcorp Genetics (formerly Invitae), Labcorp
Classification: Uncertain significance for Muscular dystrophy-dystroglycanopathy (congenital with impaired intellectual development), type B, 2; Muscular dystrophy-dystroglycanopathy (congenital with brain and eye anomalies), type A2; Autosomal recessive limb-girdle muscular dystrophy type 2N. Last evaluated: 2024-02-05. Review status: criteria provided, single submitter. Criteria: Invitae Variant Classification Sherloc (09022015). Collection method: clinical testing. Allele origin: germline.
Comment: This sequence change affects codon 489 of the POMT2 mRNA. It is a 'silent' change, meaning that it does not change the encoded amino acid sequence of the POMT2 protein. This variant is not present in population databases (gnomAD no frequency). This variant has not been reported in the literature in individuals affected with POMT2-related conditions. ClinVar contains an entry for this variant (Variation ID: 471388). Algorithms developed to predict the effect of sequence changes on RNA splicing suggest that this variant may disrupt the consensus splice site. In summary, the available evidence is currently insufficient to determine the role of this variant in disease. Therefore, it has been classified as a Variant of Uncertain Significance.